The following is an entry in ClinVar:

NM_000264.5(PTCH1):c.4007G>T (p.Arg1336Met)

Gene: PTCH1 (patched 1; minus strand). Cytogenetic location: 9q22.32.
Variant type: single nucleotide variant.
Coding change: c.4007G>T on transcript NM_000264.5 (MANE Select); coding-DNA position 4007, G replaced by T.
Protein change: p.Arg1336Met; replaces arginine 1336 with methionine.
Molecular consequence: missense variant. On other transcripts: non-coding transcript variant (1).
Genome position (GRCh38, 1-based): chr9:95,447,249, C>A on the plus strand (G>T on the coding strand, the complement: PTCH1 is on the minus strand). VCF-style: chr9-95447249-C-A. GRCh37 (hg19) VCF-style: chr9-98209531-C-A.
Other names: c.3809G>T, p.Arg1270Met (NM_001083602.3); c.4004G>T, p.Arg1335Met (NM_001083603.3); c.3554G>T, p.Arg1185Met (NM_001083604.3, NM_001083605.3, NM_001083606.3 and 1 more transcripts); c.3851G>T, p.Arg1284Met (NM_001354918.2); short protein forms R1335M, R1284M, R1336M, R1185M, R1270M.
Identifiers: ClinVar variation 3784599 (VCV003784599.1).

ClinVar aggregate classification (germline): Uncertain significance (1 of 4 stars; one submission).

Conditions:
Hereditary cancer-predisposing syndrome. Also called: Neoplastic Syndromes, Hereditary; Hereditary Cancer Syndrome; Tumor predisposition; Hereditary neoplastic syndrome. Identifiers: Orphanet 140162, MedGen C0027672, MeSH D009386, MONDO:0015356.

Submission:

Ambry Genetics
Classification: Uncertain significance for Hereditary cancer-predisposing syndrome. Last evaluated: 2024-12-19. Review status: criteria provided, single submitter. Criteria: Ambry Variant Classification Scheme 2023. Collection method: clinical testing. Allele origin: germline.
Comment: The p.R1336M variant (also known as c.4007G>T), located in coding exon 23 of the PTCH1 gene, results from a G to T substitution at nucleotide position 4007. The arginine at codon 1336 is replaced by methionine, an amino acid with similar properties. This amino acid position is well conserved in available vertebrate species. In addition, the in silico prediction for this alteration is inconclusive. Based on the available evidence, the clinical significance of this variant remains unclear.